The following is an entry in ClinVar:

ClinVar aggregate classification (germline): Likely pathogenic (1 of 4 stars; one submission).

Conditions:
Pyruvate carboxylase deficiency. Also called: ATAXIA WITH LACTIC ACIDOSIS II; LEIGH NECROTIZING ENCEPHALOPATHY DUE TO PYRUVATE CARBOXYLASE DEFICIENCY; LEIGH SYNDROME DUE TO PYRUVATE CARBOXYLASE DEFICIENCY; PC DEFICIENCY; Pyruvate Carboxylase Deficiency Disease. Identifiers: Orphanet 3008, MedGen C0034341, MONDO:0009949, OMIM 266150.

Submission:

Myriad Genetics, Inc.
Classification: Likely pathogenic for Pyruvate carboxylase deficiency. Last evaluated: 2022-03-29. Review status: criteria provided, single submitter. Criteria: Myriad Women's Health Autosomal Recessive and X-Linked Classification Criteria (2021). Collection method: clinical testing. Allele origin: unknown.
Comment: NM_000920.3(PC):c.885_888delTGTG(V296Nfs*46) is expected to be pathogenic in the context of pyruvate carboxylase deficiency. This variant is predicted to lead to an abnormal or absent protein product due to the creation of a premature termination codon in PC, a gene where loss-of-function variants are known to be pathogenic. Please note: this variant was assessed in the context of healthy population screening.

NM_001040716.2(PC):c.885_888del (p.Val296fs)

Gene: PC (pyruvate carboxylase; minus strand). Cytogenetic location: 11q13.2.
Variant type: Deletion.
Coding change: c.885_888del on transcript NM_001040716.2 (MANE Select); coding-DNA positions 885 to 888, 4 bases deleted (TGTG; older notation c.885_888delTGTG).
Protein change: p.Val296fs; shifts the reading frame from valine 296.
Molecular consequence: frameshift variant.
Genome position (GRCh38, 1-based): chr11:66,870,317-66,870,320, CACA deleted on the plus strand (TGTG on the coding strand, the reverse complement: PC is on the minus strand). VCF-style (leftmost placement, unchanged base first): chr11-66870316-TCACA-T. GRCh37 (hg19) VCF-style: chr11-66637787-TCACA-T.
Other names: c.885_888del, p.Val296fs (NM_000920.4, NM_022172.3); short protein forms V296fs.
Identifiers: ClinVar variation 1725508 (VCV001725508.2), dbSNP rs2495761226, ClinGen allele CA2580084573.